The following is an entry in ClinVar:

ClinVar aggregate classification (germline): Likely pathogenic. Review status: reviewed by expert panel (3 of 4 stars). 3 submissions from 3 submitters: Likely pathogenic (1). 2 of the submissions do not count toward it. Last evaluated 2026-05-07.

Conditions:
Pulmonary hypertension, primary, 1 (PPH1). Also called: Pulmonary hypertension, familial primary, 1, with or without HHT. Identifiers: Orphanet 422, MedGen C4552070, MONDO:0024533, OMIM 178600.
Pulmonary arterial hypertension. Identifiers: Orphanet 182090, MedGen C2973725, MeSH D000081029, MONDO:0015924, HP:0002092.

Submissions (3):

Clingen Pulmonary Hypertension Variant Curation Expert Panel, ClinGen
Classification: Likely pathogenic for Pulmonary arterial hypertension. Last evaluated: 2026-05-07. Review status: reviewed by expert panel. Criteria: ClinGen PH ACMG Specifications BMPR2 V2.0.0. Collection method: curation. Allele origin: germline. Inheritance: Autosomal dominant inheritance.
Comment: The BMPR2 c. 247+1G>A variant is in the canonical donor site of intron 2, leading to in frame exon skipping. The variant is absent from gnomAD v4.1.0 and v2.1.1 (controls) (PM2_supporting). This variant has been reported in one heritable and one idiopathic PAH pro bands (PMID:26387786, PMID:32581362) (PS4_supporting). The in frame deletion removed 5.5% of the protein, including part of the critical ligand binding domain (PVS1_strong). PP1, PS2, and PM6 were not assessed due to absence of co-segregation data. In summary, this variant meets the criteria to be classified as likely pathogenic for pulmonary arterial hypertension based on the ACMG/AMP criteria applied, as specified by the ClinGen Pulmonary Hypertension VCEP: PVS1_strong, PS4_supporting, PM2_supporting (VCEP specification version 2.0, 1/30/2026)

NIHR Bioresource Rare Diseases, University of Cambridge
Classification: Pathogenic for Pulmonary arterial hypertension. Review status: no assertion criteria provided. Collection method: research. Allele origin: unknown. Affected: yes. Observed: 1 variant allele. Not counted in ClinVar's aggregate classification.

Rare Disease Genomics Group, St George's University of London
Classification: Pathogenic for Primary pulmonary hypertension. Review status: no assertion criteria provided. Collection method: literature only. Allele origin: germline. Affected: yes. Not counted in ClinVar's aggregate classification.

Literature cited by the submitters: PubMed 32581362 (cited by NIHR Bioresource Rare Diseases, University of Cambridge); PubMed 26387786 (cited by Rare Disease Genomics Group, St George's University of London).

NM_001204.7(BMPR2):c.247+1G>A

Gene: BMPR2 (bone morphogenetic protein receptor type 2; plus strand). Cytogenetic location: 2q33.1.
Variant type: single nucleotide variant.
Coding change: c.247+1G>A on transcript NM_001204.7 (MANE Select); the canonical splice donor site of the intron after coding-DNA position 247, G replaced by A.
Molecular consequence: splice donor variant.
Genome position (GRCh38, 1-based): chr2:202,464,980, G>A. VCF-style: chr2-202464980-G-A. GRCh37 (hg19) VCF-style: chr2-203329703-G-A.
Identifiers: ClinVar variation 425730 (VCV000425730.3), dbSNP rs1085307188, ClinGen allele CA350399491.
Genomic context (GRCh38, chr2:202,464,980, plus strand): 5'-GTAGCACCTGCTATGGCCTTTGGGAGAAATCAAAAGGGGACATAAATCTTGTAAAACAAG[G>A]CAAGTGATACTTTCCTTACCTGAAATGACTGTGTTTTATACAATTGATATTTATCTAAAA-3'